The following is an entry in ClinVar:

ClinVar aggregate classification (germline): Uncertain significance (1 of 4 stars; one submission).

Submission:

GeneDx
Classification: Uncertain significance. Last evaluated: 2023-02-08. Review status: criteria provided, single submitter. Criteria: GeneDx Variant Classification Process June 2021. Collection method: clinical testing. Allele origin: germline. Affected: yes.
Comment: Not observed at significant frequency in large population cohorts (gnomAD); In silico analysis supports that this missense variant does not alter protein structure/function; Has not been previously published as pathogenic or benign to our knowledge

NM_139137.4(KCNC2):c.439G>A (p.Asp147Asn)

Gene: KCNC2 (potassium voltage-gated channel subfamily C member 2; minus strand). Cytogenetic location: 12q21.1.
Variant type: single nucleotide variant.
Coding change: c.439G>A on transcript NM_139137.4 (MANE Select); coding-DNA position 439, G replaced by A.
Protein change: p.Asp147Asn; replaces aspartic acid 147 with asparagine.
Molecular consequence: missense variant. On other transcripts: non-coding transcript variant (2).
Genome position (GRCh38, 1-based): chr12:75,207,545, C>T on the plus strand (G>A on the coding strand, the complement: KCNC2 is on the minus strand). VCF-style: chr12-75207545-C-T. GRCh37 (hg19) VCF-style: chr12-75601325-C-T.
Other names: c.439G>A, p.Asp147Asn (NM_001260497.2, NM_001260498.2, NM_001260499.2 and 13 more transcripts); short protein forms D147N.
Identifiers: ClinVar variation 2575765 (VCV002575765.1), dbSNP rs2548168428, ClinGen allele CA385785900.